The following is an entry in ClinVar:

ClinVar aggregate classification (germline): Likely benign. Review status: criteria provided, multiple submitters, no conflicts (2 of 4 stars). 3 submissions from 3 submitters: Likely benign (3). Last evaluated 2025-07-18.

Allele frequency attached by ClinVar (database versions not stated): ExAC 0.00003; TOPMed 0.00003; gnomAD 0.00004.
gnomAD v4.1: 45 of 1,612,850 alleles (0.0028%); highest among the groups gnomAD compares: South Asian, 0.0055%; no homozygotes.

Submissions (3):

Labcorp Genetics (formerly Invitae), Labcorp
Classification: Likely benign. Last evaluated: 2025-07-18. Review status: criteria provided, single submitter. Criteria: Invitae Variant Classification Sherloc (09022015). Collection method: clinical testing. Allele origin: germline.

Blueprint Genetics
Classification: Likely benign. Last evaluated: 2023-11-27. Review status: criteria provided, single submitter. Criteria: ACMG Guidelines, 2015. Collection method: clinical testing. Allele origin: germline.

GeneDx
Classification: Likely benign. Last evaluated: 2021-04-26. Review status: criteria provided, single submitter. Criteria: GeneDx Variant Classification Process June 2021. Collection method: clinical testing. Allele origin: germline. Affected: yes.
Comment: See Variant Classification Assertion Criteria.

NM_001374828.1(ARID1B):c.5897G>A (p.Arg1966His)

Gene: ARID1B (AT-rich interaction domain 1B; plus strand). Cytogenetic location: 6q25.3.
Variant type: single nucleotide variant.
Coding change: c.5897G>A on transcript NM_001374828.1 (MANE Select); coding-DNA position 5897, G replaced by A.
Protein change: p.Arg1966His; replaces arginine 1966 with histidine.
Molecular consequence: missense variant.
Genome position (GRCh38, 1-based): chr6:157,206,669, G>A. VCF-style: chr6-157206669-G-A. GRCh37 (hg19) VCF-style: chr6-157527803-G-A.
Other names: c.5648G>A, p.Arg1883His (NM_001346813.1); c.3398G>A, p.Arg1133His (NM_001363725.2); c.5777G>A, p.Arg1926His (NM_001371656.1, NM_001374820.1); c.5738G>A, p.Arg1913His (NM_017519.3); c.5528G>A, p.Arg1843His (NM_020732.3); c.5315G>A, p.Arg1772His (NM_175863.2); short protein forms R1133H, R1772H, R1843H, R1883H, R1913H, R1926H, R1966H.
Identifiers: ClinVar variation 1707369 (VCV001707369.4), dbSNP rs758748419, ClinGen allele CA4067913.